The following is an entry in ClinVar:

ClinVar aggregate classification (germline): Uncertain significance (1 of 4 stars; one submission).

Conditions:
Brain small vessel disease 2A, autosomal dominant. Also called: Porencephaly 2. Identifiers: Orphanet 2940, Orphanet 99810, MedGen C3280970, MONDO:0013773, OMIM 614483.
Hemorrhage, intracerebral, susceptibility to (ICH). Also called: Stroke, hemorrhagic, susceptibility to. Identifiers: MedGen C3281105, MONDO:0100533, OMIM 614519.

Submission:

Juno Genomics, Hangzhou Juno Genomics, Inc
Classification: Uncertain significance for Hemorrhage, intracerebral, susceptibility to; Brain small vessel disease 2A, autosomal dominant. Review status: criteria provided, single submitter. Criteria: ACMG Guidelines, 2015. Collection method: clinical testing. Allele origin: germline.
Comment: Absent from controls (or at extremely low frequency if recessive) in Genome Aggregation Database.

NM_001846.4(COL4A2):c.315+1G>T

Gene: COL4A2 (collagen type IV alpha 2 chain; plus strand). Cytogenetic location: 13q34.
Variant type: single nucleotide variant.
Coding change: c.315+1G>T on transcript NM_001846.4 (MANE Select); the canonical splice donor site of the intron after coding-DNA position 315, G replaced by T.
Molecular consequence: splice donor variant.
Genome position (GRCh38, 1-based): chr13:110,424,869, G>T. VCF-style: chr13-110424869-G-T. GRCh37 (hg19) VCF-style: chr13-111077216-G-T.
Identifiers: ClinVar variation 5005225 (VCV005005225.2).
Genomic context (GRCh38, chr13:110,424,869, plus strand): 5'-CGTAAAGGAGACAAGGGTGAAAGGGGAGCCCCCGGAGTAACGGGACCCAAGGGCGACGTG[G>T]TACGCACCGCTGGTGTATTCCCCTGGCCTCATGAGGGTGGCGGGTATCTCAGCCTTGGTT-3'